The following is an entry in ClinVar:

ClinVar aggregate classification (germline): Uncertain significance (1 of 4 stars; one submission).

Submission:

GeneDx
Classification: Uncertain significance. Last evaluated: 2024-10-02. Review status: criteria provided, single submitter. Criteria: GeneDx Variant Classification Process June 2021. Collection method: clinical testing. Allele origin: germline. Affected: yes.
Comment: Not observed at significant frequency in large population cohorts (gnomAD); In silico analysis supports that this missense variant has a deleterious effect on protein structure/function; Has not been previously published as pathogenic or benign to our knowledge

NM_194277.3(FRMD7):c.380A>T (p.Gln127Leu)

Gene: FRMD7 (FERM domain containing 7; minus strand). Cytogenetic location: Xq26.2.
Variant type: single nucleotide variant.
Coding change: c.380A>T on transcript NM_194277.3 (MANE Select); coding-DNA position 380, A replaced by T.
Protein change: p.Gln127Leu; replaces glutamine 127 with leucine.
Molecular consequence: missense variant.
Genome position (GRCh38, 1-based): chrX:132,094,044, T>A on the plus strand (A>T on the coding strand, the complement: FRMD7 is on the minus strand). VCF-style: chrX-132094044-T-A. GRCh37 (hg19) VCF-style: chrX-131228072-T-A.
Other names: c.335A>T, p.Gln112Leu (NM_001306193.2); short protein forms Q112L, Q127L.
Identifiers: ClinVar variation 3776685 (VCV003776685.1).